The following is an entry in ClinVar:

NM_001114753.3(ENG):c.-2G>A

Gene: ENG (endoglin; minus strand). Cytogenetic location: 9q34.11.
Variant type: single nucleotide variant.
Coding change: c.-2G>A on transcript NM_001114753.3 (MANE Select); 2 bases upstream of the start codon, G replaced by A.
Molecular consequence: 5 prime UTR variant.
Genome position (GRCh38, 1-based): chr9:127,854,357, C>T on the plus strand (G>A on the coding strand, the complement: ENG is on the minus strand). VCF-style: chr9-127854357-C-T. GRCh37 (hg19) VCF-style: chr9-130616636-C-T.
Other names: c.-2G>A (NM_000118.4, NM_001406715.1).
Identifiers: ClinVar variation 2446076 (VCV002446076.1), dbSNP rs1417800476, ClinGen allele CA590606749.

ClinVar aggregate classification (germline): Uncertain significance (1 of 4 stars; one submission).

Submission:

GeneDx
Classification: Uncertain significance. Last evaluated: 2022-09-21. Review status: criteria provided, single submitter. Criteria: GeneDx Variant Classification Process June 2021. Collection method: clinical testing. Allele origin: germline. Affected: yes.
Comment: Not observed at significant frequency in large population cohorts (gnomAD); Nucleotide substitution has no predicted effect on splicing and is not conserved across species; Has not been previously published as pathogenic or benign to our knowledge